The following is an entry in ClinVar:

ClinVar aggregate classification (germline): Conflicting classifications of pathogenicity. Review status: criteria provided, conflicting classifications (1 of 4 stars). 4 submissions from 4 submitters: Pathogenic (1); Likely pathogenic (2); Uncertain significance (1). Last evaluated 2024-08-31.

Conditions:
Early-infantile DEE. Also called: Early infantile epileptic encephalopathy; Ohtahara syndrome; Early infantile epileptic encephalopathy with suppression bursts. Identifiers: Orphanet 1934, MedGen C0393706, MONDO:0800491.
Inborn genetic diseases. Identifiers: MedGen C0950123, MeSH D030342.
KCNQ2-Related Disorders. Also called: KCNQ2-related condition; KCNQ2-related disorder. Identifiers: MedGen CN169299.

Submissions (4):

Rady Children's Institute for Genomic Medicine, Rady Children's Hospital San Diego
Classification: Likely pathogenic for KCNQ2-Related Disorders. Last evaluated: 2024-08-31. Review status: criteria provided, single submitter. Criteria: ACMG Guidelines, 2015. Collection method: clinical testing. Allele origin: germline. Affected: yes.
Comment: The KCNQ2 gene is constrained against variation (Z-score= 3.71 and pLI = 1), and missense variants are a common mechanism of disease (HGMD, ClinVar database; PMID: 20437616). This variant has been previously reported as a heterozygous change in an individual with epilepsy and developmental disorders (PMID: 29655203). Different amino acid changes at the same residue (p.F261C and p.F261I) have been previously reported in individuals with epilepsy (PMID: 33084218, 32005694, 32712949, 29141310). The c.782T>C (p.Phe261Ser) variant affects a highly conserved amino acid and is predicted by multiple in silico tools to have a deleterious effect on protein function. The c.782T>C (p.Phe261Ser) variant is absent from the latest version of the gnomAD population database and thus is presumed to be rare. Based on parental analysis, this variant likely occurred as a de novo event. Based on the available evidence, c.782T>C (p.Phe261Ser) is classified as Likely Pathogenic.

GeneDx
Classification: Pathogenic. Last evaluated: 2024-06-16. Review status: criteria provided, single submitter. Criteria: GeneDx Variant Classification Process June 2021. Collection method: clinical testing. Allele origin: germline. Affected: yes.
Comment: Not observed at significant frequency in large population cohorts (gnomAD); This substitution is predicted to be within pore forming loop between the S5 and S6 transmembrane segments; In silico analysis supports that this missense variant has a deleterious effect on protein structure/function; This variant is associated with the following publications: (PMID: 29655203)

Labcorp Genetics (formerly Invitae), Labcorp
Classification: Likely pathogenic for Early-infantile DEE. Last evaluated: 2024-02-24. Review status: criteria provided, single submitter. Criteria: Invitae Variant Classification Sherloc (09022015). Collection method: clinical testing. Allele origin: germline.
Comment: This sequence change replaces phenylalanine, which is neutral and non-polar, with serine, which is neutral and polar, at codon 261 of the KCNQ2 protein (p.Phe261Ser). This variant is not present in population databases (gnomAD no frequency). This missense change has been observed in individual(s) with clinical features of KCNQ2-related conditions (PMID: 29655203; Invitae). ClinVar contains an entry for this variant (Variation ID: 205879). Advanced modeling of protein sequence and biophysical properties (such as structural, functional, and spatial information, amino acid conservation, physicochemical variation, residue mobility, and thermodynamic stability) performed at Invitae indicates that this missense variant is expected to disrupt KCNQ2 protein function with a positive predictive value of 95%. This variant disrupts the p.Phe261 amino acid residue in KCNQ2. Other variant(s) that disrupt this residue have been determined to be pathogenic (Invitae). This suggests that this residue is clinically significant, and that variants that disrupt this residue are likely to be disease-causing. In summary, the currently available evidence indicates that the variant is pathogenic, but additional data are needed to prove that conclusively. Therefore, this variant has been classified as Likely Pathogenic.

Ambry Genetics
Classification: Uncertain significance for Inborn genetic diseases. Last evaluated: 2016-06-27. Review status: criteria provided, single submitter. Criteria: Ambry Variant Classification Scheme 2023. Collection method: clinical testing. Allele origin: germline.
Comment: The p.F261S variant (also known as c.782T>C), located in coding exon 5 of the KCNQ2 gene, results from a T to C substitution at nucleotide position 782. The phenylalanine at codon 261 is replaced by serine, an amino acid with highly dissimilar properties. This amino acid position is highly conserved in available vertebrate species. In addition, this alteration is predicted to be deleterious by in silico analysis. Since supporting evidence is limited at this time, the clinical significance of this alteration remains unclear.

Literature cited by the submitters: PubMed 29655203 (cited by Labcorp Genetics (formerly Invitae), Labcorp).

NM_172107.4(KCNQ2):c.782T>C (p.Phe261Ser)

Gene: KCNQ2 (potassium voltage-gated channel subfamily Q member 2; minus strand). Cytogenetic location: 20q13.33.
Variant type: single nucleotide variant.
Coding change: c.782T>C on transcript NM_172107.4 (MANE Select); coding-DNA position 782, T replaced by C.
Protein change: p.Phe261Ser; replaces phenylalanine 261 with serine.
Molecular consequence: missense variant.
Genome position (GRCh38, 1-based): chr20:63,442,440, A>G on the plus strand (T>C on the coding strand, the complement: KCNQ2 is on the minus strand). VCF-style: chr20-63442440-A-G. GRCh37 (hg19) VCF-style: chr20-62073793-A-G.
Other names: p.F261S:TTT>TCT; c.782T>C, p.Phe261Ser (NM_004518.6, NM_172106.3, NM_172108.5 and 1 more transcripts); c.782T>C (NM_172107.3); short protein forms F261S.
Identifiers: ClinVar variation 205879 (VCV000205879.15), dbSNP rs796052631, ClinGen allele CA315386.